The following is an entry in ClinVar:

NC_000019.9:g.(?_3595522)_(3595951_?)del

Gene: TBXA2R (thromboxane A2 receptor; minus strand). Cytogenetic location: 19p13.3.
Variant type: Deletion.
Identifiers: ClinVar variation 3242661 (VCV003242661.1).

ClinVar aggregate classification (germline): Uncertain significance (1 of 4 stars; one submission).

Submission:

Labcorp Genetics (formerly Invitae), Labcorp
Classification: Uncertain significance. Last evaluated: 2022-12-31. Review status: criteria provided, single submitter. Criteria: Invitae Variant Classification Sherloc (09022015). Collection method: clinical testing. Allele origin: unknown.
Comment: In summary, the available evidence is currently insufficient to determine the role of this variant in disease. Therefore, it has been classified as a Variant of Uncertain Significance. Experimental studies and prediction algorithms are not available or were not evaluated, and the functional significance of this variant is currently unknown. This variant has not been reported in the literature in individuals affected with TBXA2R-related conditions. This variant is a gross deletion of the genomic region encompassing exon(s) 3 of the TBXA2R gene, which includes the termination codon. This deletion extends beyond the assayed region for this gene and therefore may encompass additional genes. While this deletion is not anticipated to lead to nonsense mediated decay, it is expected to alter mRNA translation or result in a truncated protein product.